The following is an entry in ClinVar:

ClinVar aggregate classification (germline): Uncertain significance (1 of 4 stars; one submission).

Conditions:
HERC1-related disorder. Also called: HERC1-related condition.

gnomAD v4.1: 291 of 1,612,794 alleles (0.018%); highest among the groups gnomAD compares: Non-Finnish European, 0.023%; no homozygotes.

Submission:

PreventionGenetics, part of Exact Sciences
Classification: Uncertain significance for HERC1-related condition. Last evaluated: 2025-05-15. Review status: criteria provided, single submitter. Criteria: ACMG Guidelines, 2015. Collection method: clinical testing. Allele origin: germline.
Comment: The HERC1 c.10971G>A variant is not predicted to result in an amino acid change (p.=). To our knowledge, this variant has not been reported in the literature. This variant is reported in 0.014% of alleles in individuals of Latino descent in gnomAD. At this time, the clinical significance of this variant is uncertain due to the absence of conclusive functional and genetic evidence.

NM_003922.4(HERC1):c.10971G>A (p.Ser3657=)

Gene: HERC1 (HECT and RLD domain containing E3 ubiquitin protein ligase family member 1; minus strand). Cytogenetic location: 15q22.31.
Variant type: single nucleotide variant.
Coding change: c.10971G>A on transcript NM_003922.4 (MANE Select); coding-DNA position 10971, G replaced by A.
Protein change: p.Ser3657=; no amino-acid change (serine 3657 retained).
Molecular consequence: synonymous variant.
Genome position (GRCh38, 1-based): chr15:63,645,590, C>T on the plus strand (G>A on the coding strand, the complement: HERC1 is on the minus strand). VCF-style: chr15-63645590-C-T. GRCh37 (hg19) VCF-style: chr15-63937789-C-T.
Identifiers: ClinVar variation 4988948 (VCV004988948.1).